The following continues an entry in ClinVar:

NM_004360.5(CDH1):c.1171G>A (p.Val391Ile)

Gene: CDH1. ClinVar aggregate classification (germline): Conflicting classifications of pathogenicity. Uncertain significance (13); Likely benign (2).

Submissions 11 to 16 of 16:

Sema4
Classification: Uncertain significance for Hereditary cancer-predisposing syndrome. Last evaluated: 2022-02-12. Review status: criteria provided, single submitter. Criteria: Sema4 Curation Guidelines. Collection method: curation. Allele origin: germline.
Comment: The CDH1 c.1171G>A (p.V391I) variant has been reported in heterozygosity in at least 1 individual with breast cancer (PMID: 25186627), but has also been reported in healthy controls (PMID: 29641532). It has been reported in a large case-control study in 10/60466 breast cancer cases and 3/53461 controls (PMID: 33471991). It was observed in 13/282876 chromosomes in the large and broad cohorts of the Genome Aggregation Database (PMID: 32461654). This variant has been reported in ClinVar (Variation ID: 184651). In silico tools suggest the impact of the variant on protein function is benign, though these predictions have not been confirmed by functional studies. The evidence is insufficient to meet ACMG/AMP criteria for classifying the variant as benign or pathogenic. Thus, the clinical significance of this variant is currently uncertain.

Ambry Genetics
Classification: Likely benign for Hereditary cancer-predisposing syndrome. Last evaluated: 2021-08-16. Review status: criteria provided, single submitter. Criteria: Ambry Variant Classification Scheme 2023. Collection method: clinical testing. Allele origin: germline.

Institute of Human Genetics, University of Leipzig Medical Center
Classification: Uncertain significance for Familial cancer of breast. Last evaluated: 2019-12-02. Review status: criteria provided, single submitter. Criteria: ACMG Guidelines, 2015. Collection method: clinical testing. Allele origin: germline. Affected: yes. Observed: 1 variant allele.

Fulgent Genetics
Classification: Uncertain significance for Familial cancer of breast; Blepharocheilodontic syndrome 1; Hereditary diffuse gastric adenocarcinoma; Ovarian cancer; Familial prostate cancer; Endometrial carcinoma. Last evaluated: 2018-10-31. Review status: criteria provided, single submitter. Criteria: ACMG Guidelines, 2015. Collection method: clinical testing. Allele origin: unknown.

ARUP Laboratories, Molecular Genetics and Genomics, ARUP Laboratories
Classification: Uncertain significance. Last evaluated: 2018-04-11. Review status: criteria provided, single submitter. Criteria: ARUP Molecular Germline Variant Investigation Process. Collection method: clinical testing. Allele origin: germline.
Comment: The CDH1 c.1171G>A; p.Val391Ile variant (rs556110297), to our knowledge, is not reported in the medical literature. This variant is reported as uncertain by multiple laboratories in ClinVar (Variation ID: 184651), and found in the general population with an allele frequency of 0.005% (13/246240 alleles) in the Genome Aggregation Database. The valine at codon 391 is weakly conserved and computational algorithms (SIFT, PolyPhen2) predict this variant is tolerated. However, given the limited information regarding this variant, its clinical significance is uncertain at this time.

Counsyl
Classification: Uncertain significance for Hereditary diffuse gastric adenocarcinoma. Last evaluated: 2016-10-27. Review status: no assertion criteria provided. Collection method: clinical testing. Allele origin: unknown. Not counted in ClinVar's aggregate classification.

Literature cited by the submitters: PubMed 25186627 (cited by 5 submitters); PubMed 36436516 (cited by 3 submitters); PubMed 33471991 (cited by Quest Diagnostics Nichols Institute San Juan Capistrano and Sema4); PubMed 35171259 (cited by Quest Diagnostics Nichols Institute San Juan Capistrano); PubMed 36243179 (cited by Quest Diagnostics Nichols Institute San Juan Capistrano); PubMed 29641532 (cited by 3 submitters); PubMed 30287823 (cited by Ambry Genetics).